The following is an entry in ClinVar:

NC_000008.10:g.(?_30510930)_(30511115_?)del

Gene: GTF2E2 (general transcription factor IIE subunit 2; minus strand). Cytogenetic location: 8p12.
Variant type: Deletion.
Identifiers: ClinVar variation 1475587 (VCV001475587.5).

ClinVar aggregate classification (germline): Uncertain significance (1 of 4 stars; one submission).

Submission:

Labcorp Genetics (formerly Invitae), Labcorp
Classification: Uncertain significance. Last evaluated: 2022-09-19. Review status: criteria provided, single submitter. Criteria: Invitae Variant Classification Sherloc (09022015). Collection method: clinical testing. Allele origin: germline.
Comment: In summary, the available evidence is currently insufficient to determine the role of this variant in disease. Therefore, it has been classified as a Variant of Uncertain Significance. Experimental studies and prediction algorithms are not available or were not evaluated, and the functional significance of this variant is currently unknown. This variant has not been reported in the literature in individuals affected with GTF2E2-related conditions. This variant is a gross deletion of the genomic region encompassing exon(s) 2 of the GTF2E2 gene, which includes the initiator codon. This deletion extends beyond the assayed region for this gene and therefore may encompass additional genes. It is expected to result in an absent or disrupted protein product. However, the current clinical and genetic evidence is not sufficient to establish whether loss-of-function variants in GTF2E2 cause disease.